The following is an entry in ClinVar:

NM_017617.5(NOTCH1):c.5211G>T (p.Met1737Ile)

Gene: NOTCH1 (notch receptor 1; minus strand). Cytogenetic location: 9q34.3.
Variant type: single nucleotide variant.
Coding change: c.5211G>T on transcript NM_017617.5 (MANE Select); coding-DNA position 5211, G replaced by T.
Protein change: p.Met1737Ile; replaces methionine 1737 with isoleucine.
Molecular consequence: missense variant.
Genome position (GRCh38, 1-based): chr9:136,502,445, C>A on the plus strand (G>T on the coding strand, the complement: NOTCH1 is on the minus strand). VCF-style: chr9-136502445-C-A. GRCh37 (hg19) VCF-style: chr9-139396897-C-A.
Other names: short protein forms M1737I.
Identifiers: ClinVar variation 1974255 (VCV001974255.5), dbSNP rs1589056736, ClinGen allele CA375641007.

ClinVar aggregate classification (germline): Uncertain significance (1 of 4 stars; one submission).

Conditions:
Adams-Oliver syndrome 5 (AOS5). Identifiers: Orphanet 974, MedGen C4014970, MONDO:0014459, OMIM 616028.

Allele frequency attached by ClinVar (database versions not stated): TOPMed below 0.00001.

Submission:

Labcorp Genetics (formerly Invitae), Labcorp
Classification: Uncertain significance for Adams-Oliver syndrome 5. Last evaluated: 2023-08-04. Review status: criteria provided, single submitter. Criteria: Invitae Variant Classification Sherloc (09022015). Collection method: clinical testing. Allele origin: germline.
Comment: This sequence change replaces methionine, which is neutral and non-polar, with isoleucine, which is neutral and non-polar, at codon 1737 of the NOTCH1 protein (p.Met1737Ile). This variant is not present in population databases (gnomAD no frequency). This variant has not been reported in the literature in individuals affected with NOTCH1-related conditions. ClinVar contains an entry for this variant (Variation ID: 1974255). Advanced modeling of protein sequence and biophysical properties (such as structural, functional, and spatial information, amino acid conservation, physicochemical variation, residue mobility, and thermodynamic stability) performed at Invitae indicates that this missense variant is not expected to disrupt NOTCH1 protein function. In summary, the available evidence is currently insufficient to determine the role of this variant in disease. Therefore, it has been classified as a Variant of Uncertain Significance.